The following is an entry in ClinVar:

NM_015378.4(VPS13D):c.1330T>C (p.Tyr444His)

Gene: VPS13D (vacuolar protein sorting 13 homolog D; plus strand). Cytogenetic location: 1p36.22.
Variant type: single nucleotide variant.
Coding change: c.1330T>C on transcript NM_015378.4 (MANE Select); coding-DNA position 1330, T replaced by C.
Protein change: p.Tyr444His; replaces tyrosine 444 with histidine.
Molecular consequence: missense variant.
Genome position (GRCh38, 1-based): chr1:12,261,065, T>C. VCF-style: chr1-12261065-T-C. GRCh37 (hg19) VCF-style: chr1-12321122-T-C.
Other names: c.1330T>C, p.Tyr444His (NM_018156.4); short protein forms Y444H.
Identifiers: ClinVar variation 1898346 (VCV001898346.6), dbSNP rs764609068, ClinGen allele CA601487.

ClinVar aggregate classification (germline): Uncertain significance. Review status: criteria provided, multiple submitters, no conflicts (2 of 4 stars). 2 submissions from 2 submitters: Uncertain significance (2). Last evaluated 2022-10-17.

Conditions:
Inborn genetic diseases. Identifiers: MedGen C0950123, MeSH D030342.

Allele frequency attached by ClinVar (database versions not stated): ExAC 0.00001; gnomAD 0.00001; TOPMed 0.00002.
gnomAD v4.1: 3 of 1,613,984 alleles (0.00019%); highest among the groups gnomAD compares: Admixed American, 0.005%; no homozygotes.

Submissions (2):

Labcorp Genetics (formerly Invitae), Labcorp
Classification: Uncertain significance. Last evaluated: 2022-10-17. Review status: criteria provided, single submitter. Criteria: Invitae Variant Classification Sherloc (09022015). Collection method: clinical testing. Allele origin: germline.
Comment: In summary, the available evidence is currently insufficient to determine the role of this variant in disease. Therefore, it has been classified as a Variant of Uncertain Significance. Advanced modeling of protein sequence and biophysical properties (such as structural, functional, and spatial information, amino acid conservation, physicochemical variation, residue mobility, and thermodynamic stability) has been performed at Invitae for this missense variant, however the output from this modeling did not meet the statistical confidence thresholds required to predict the impact of this variant on VPS13D protein function. This variant has not been reported in the literature in individuals affected with VPS13D-related conditions. This variant is present in population databases (rs764609068, gnomAD 0.006%). This sequence change replaces tyrosine, which is neutral and polar, with histidine, which is basic and polar, at codon 444 of the VPS13D protein (p.Tyr444His).

Ambry Genetics
Classification: Uncertain significance for Inborn genetic diseases. Last evaluated: 2021-08-02. Review status: criteria provided, single submitter. Criteria: Ambry Variant Classification Scheme 2023. Collection method: clinical testing. Allele origin: germline.